The following is an entry in ClinVar:

ClinVar aggregate classification (germline): Uncertain significance (1 of 4 stars; one submission).

Conditions:
Juvenile polyposis syndrome (JPS). Identifiers: Orphanet 2929, MedGen C0345893, MONDO:0017380, OMIM 174900.

Submission:

Labcorp Genetics (formerly Invitae), Labcorp
Classification: Uncertain significance for Juvenile polyposis syndrome. Last evaluated: 2024-01-06. Review status: criteria provided, single submitter. Criteria: Invitae Variant Classification Sherloc (09022015). Collection method: clinical testing. Allele origin: germline.
Comment: This sequence change falls in intron 3 of the SMAD4 gene. It does not directly change the encoded amino acid sequence of the SMAD4 protein. This variant is not present in population databases (gnomAD no frequency). This variant has not been reported in the literature in individuals affected with SMAD4-related conditions. Studies have shown that this variant is associated with inconclusive levels of altered splicing (Invitae). In summary, the available evidence is currently insufficient to determine the role of this variant in disease. Therefore, it has been classified as a Variant of Uncertain Significance.

NM_005359.6(SMAD4):c.425-16C>A

Gene: SMAD4 (SMAD family member 4; plus strand). Cytogenetic location: 18q21.2.
Variant type: single nucleotide variant.
Coding change: c.425-16C>A on transcript NM_005359.6 (MANE Select); 16 bases into the intron before coding-DNA position 425, C replaced by A.
Molecular consequence: intron variant.
Genome position (GRCh38, 1-based): chr18:51,049,279, C>A. VCF-style: chr18-51049279-C-A. GRCh37 (hg19) VCF-style: chr18-48575649-C-A.
Other names: c.425-16C>A (NM_001407042.1, NM_001407041.1, NM_001407043.1).
Identifiers: ClinVar variation 2707915 (VCV002707915.3), dbSNP rs1909636451, ClinGen allele CA2641836610.